The following is an entry in ClinVar:

NM_001048174.2(MUTYH):c.1387A>G (p.Lys463Glu)

Gene: MUTYH (mutY DNA glycosylase; minus strand). Cytogenetic location: 1p34.1.
Variant type: single nucleotide variant.
Coding change: c.1387A>G on transcript NM_001048174.2 (MANE Select); coding-DNA position 1387, A replaced by G.
Protein change: p.Lys463Glu; replaces lysine 463 with glutamic acid.
Molecular consequence: missense variant. On other transcripts: non-coding transcript variant (2).
Genome position (GRCh38, 1-based): chr1:45,331,187, T>C on the plus strand (A>G on the coding strand, the complement: MUTYH is on the minus strand). VCF-style: chr1-45331187-T-C. GRCh37 (hg19) VCF-style: chr1-45796859-T-C.
Other names: c.1390A>G, p.Lys464Glu (NM_001048172.2); c.1387A>G, p.Lys463Glu (NM_001048173.2, NM_001293195.2, NM_001048171.2); c.1471A>G, p.Lys491Glu (NM_001128425.2); c.1432A>G, p.Lys478Glu (NM_001293190.2); c.1420A>G, p.Lys474Glu (NM_001293191.2); c.1111A>G, p.Lys371Glu (NM_001293192.2, NM_001293196.2); c.1042A>G, p.Lys348Glu (NM_001350650.2, NM_001350651.2); c.1462A>G, p.Lys488Glu (NM_012222.3); short protein forms K348E, K491E, K474E, K371E, K478E, K463E, K464E, K488E.
Identifiers: ClinVar variation 1500590 (VCV001500590.10), dbSNP rs876660774, ClinGen allele CA340132477.
Genomic context (GRCh38, chr1:45,331,187, plus strand): 5'-ATGTAGAACATGTAGGAAACACAAGGAAGTACAACAAAGACAACAAAGGTAGTGCCTTTT[T>C]CATGGCGGTGGAAACAGCTGCGGTGTGAAATTCCTCCTGCGTCAGCCAGCGAGCACCTGG-3'
Protein context (NP_001041639.1, residues 453-473): FHTAAVSTAM[Lys463Glu]KVFRVYQGQQ

ClinVar aggregate classification (germline): Uncertain significance. Review status: criteria provided, multiple submitters, no conflicts (2 of 4 stars). 3 submissions from 3 submitters: Uncertain significance (3). Last evaluated 2024-07-13.

Conditions:
Hereditary cancer-predisposing syndrome. Also called: Tumor predisposition; Neoplastic Syndromes, Hereditary; Hereditary Cancer Syndrome; Hereditary neoplastic syndrome. Identifiers: Orphanet 140162, MedGen C0027672, MeSH D009386, MONDO:0015356.
Familial adenomatous polyposis 2. Also called: MYH-associated polyposis; Adenomas, multiple colorectal; COLORECTAL ADENOMATOUS POLYPOSIS, AUTOSOMAL RECESSIVE; ADENOMAS, MULTIPLE COLORECTAL, AUTOSOMAL RECESSIVE; FAP type 2; MUTYH Polyposis. Identifiers: Orphanet 220460, Orphanet 247798, MedGen C3272841, MONDO:0012041, OMIM 608456.

Allele frequency attached by ClinVar (database versions not stated): gnomAD exomes below 0.00001.
gnomAD v4.1: 1 of 1,614,246 alleles (0.000062%); highest among the groups gnomAD compares: Non-Finnish European, 0.000085%; no homozygotes.

Submissions (3):

Ambry Genetics
Classification: Uncertain significance for Hereditary cancer-predisposing syndrome. Last evaluated: 2024-07-13. Review status: criteria provided, single submitter. Criteria: Ambry Variant Classification Scheme 2023. Collection method: clinical testing. Allele origin: germline.
Comment: The p.K491E variant (also known as c.1471A>G), located in coding exon 14 of the MUTYH gene, results from an A to G substitution at nucleotide position 1471. The lysine at codon 491 is replaced by glutamic acid, an amino acid with similar properties. This amino acid position is conserved. In addition, this alteration is predicted to be deleterious by in silico analysis. Since supporting evidence is limited at this time, the clinical significance of this alteration remains unclear.

Labcorp Genetics (formerly Invitae), Labcorp
Classification: Uncertain significance for Familial adenomatous polyposis 2. Last evaluated: 2024-01-03. Review status: criteria provided, single submitter. Criteria: Invitae Variant Classification Sherloc (09022015). Collection method: clinical testing. Allele origin: germline.
Comment: This sequence change replaces lysine, which is basic and polar, with glutamic acid, which is acidic and polar, at codon 491 of the MUTYH protein (p.Lys491Glu). This variant is not present in population databases (gnomAD no frequency). This variant has not been reported in the literature in individuals affected with MUTYH-related conditions. ClinVar contains an entry for this variant (Variation ID: 1500590). An algorithm developed to predict the effect of missense changes on protein structure and function (PolyPhen-2) suggests that this variant is likely to be disruptive. In summary, the available evidence is currently insufficient to determine the role of this variant in disease. Therefore, it has been classified as a Variant of Uncertain Significance.

All of Us Research Program, National Institutes of Health
Classification: Uncertain significance for Familial adenomatous polyposis 2. Last evaluated: 2023-05-31. Review status: criteria provided, single submitter. Criteria: ACMG Guidelines, 2015. Collection method: clinical testing. Allele origin: germline. Inheritance: Autosomal recessive inheritance. Observed: 1 variant allele, 1 heterozygote.
Comment: This study involves interpretation of variants in research participants for the purpose of population health screening. Participant phenotype was not available at the time of variant classification. Additional details can be found in publication PMID: 35346344, PMCID: PMC8962531